The following is an entry in ClinVar:

ClinVar aggregate classification (germline): Uncertain significance (1 of 4 stars; one submission).

Submission:

GeneDx
Classification: Uncertain significance. Last evaluated: 2024-03-27. Review status: criteria provided, single submitter. Criteria: GeneDx Variant Classification Process June 2021. Collection method: clinical testing. Allele origin: germline. Affected: yes.
Comment: Not observed at significant frequency in large population cohorts (gnomAD); Alters the last nucleotide of the exon and is predicted to destroy the splice donor site but the effect on protein function is unclear; In silico analysis supports that this missense variant does not alter protein structure/function; Has not been previously published as pathogenic or benign to our knowledge

NM_001271.4(CHD2):c.4278G>C (p.Lys1426Asn)

Gene: CHD2 (chromodomain helicase DNA binding protein 2; plus strand). Cytogenetic location: 15q26.1.
Variant type: single nucleotide variant.
Coding change: c.4278G>C on transcript NM_001271.4 (MANE Select); coding-DNA position 4278, G replaced by C.
Protein change: p.Lys1426Asn; replaces lysine 1426 with asparagine.
Molecular consequence: missense variant.
Genome position (GRCh38, 1-based): chr15:93,002,317, G>C. VCF-style: chr15-93002317-G-C. GRCh37 (hg19) VCF-style: chr15-93545547-G-C.
Other names: short protein forms K1426N.
Identifiers: ClinVar variation 3371706 (VCV003371706.1).